The following is an entry in ClinVar:

ClinVar aggregate classification (germline): Uncertain significance (1 of 4 stars; one submission).

Allele frequency attached by ClinVar (database versions not stated): ExAC 0.00002; TOPMed 0.00001; gnomAD exomes 0.00001; gnomAD 0.00002.
gnomAD v4.1: 14 of 1,613,862 alleles (0.00087%); highest among the groups gnomAD compares: East Asian, 0.031%; no homozygotes.

Submission:

Labcorp Genetics (formerly Invitae), Labcorp
Classification: Uncertain significance. Last evaluated: 2025-02-13. Review status: criteria provided, single submitter. Criteria: Invitae Variant Classification Sherloc (09022015). Collection method: clinical testing. Allele origin: germline.
Comment: This sequence change replaces proline, which is neutral and non-polar, with leucine, which is neutral and non-polar, at codon 230 of the COL9A2 protein (p.Pro230Leu). This variant is present in population databases (rs760341544, gnomAD 0.03%). This variant has not been reported in the literature in individuals affected with COL9A2-related conditions. ClinVar contains an entry for this variant (Variation ID: 2780283). Invitae Evidence Modeling of protein sequence and biophysical properties (such as structural, functional, and spatial information, amino acid conservation, physicochemical variation, residue mobility, and thermodynamic stability) indicates that this missense variant is not expected to disrupt COL9A2 protein function with a negative predictive value of 95%. In summary, the available evidence is currently insufficient to determine the role of this variant in disease. Therefore, it has been classified as a Variant of Uncertain Significance.

NM_001852.4(COL9A2):c.689C>T (p.Pro230Leu)

Gene: COL9A2 (collagen type IX alpha 2 chain; minus strand). Cytogenetic location: 1p34.2.
Variant type: single nucleotide variant.
Coding change: c.689C>T on transcript NM_001852.4 (MANE Select); coding-DNA position 689, C replaced by T.
Protein change: p.Pro230Leu; replaces proline 230 with leucine.
Molecular consequence: missense variant.
Genome position (GRCh38, 1-based): chr1:40,310,313, G>A on the plus strand (C>T on the coding strand, the complement: COL9A2 is on the minus strand). VCF-style: chr1-40310313-G-A. GRCh37 (hg19) VCF-style: chr1-40775985-G-A.
Other names: short protein forms P230L.
Identifiers: ClinVar variation 2780283 (VCV002780283.3), dbSNP rs760341544, ClinGen allele CA791797.